The following is an entry in ClinVar:

ClinVar aggregate classification (germline): Conflicting classifications of pathogenicity. Review status: criteria provided, conflicting classifications (1 of 4 stars). 7 submissions from 7 submitters: Pathogenic (3); Likely pathogenic (3); Uncertain significance (1). Last evaluated 2024-02-13.

Conditions:
Ichthyosis vulgaris. Also called: ICHTHYOSIS SIMPLEX; Dominant ichthyosis vulgaris. Identifiers: MedGen C0079584, MONDO:0024304, OMIM 146700.
FLG-related disorder. Also called: FLG-related disorders; FLG-related condition.
Dermatitis, atopic, 2. Identifiers: MedGen C1853965, MONDO:0011596, OMIM 605803.

Submissions (7):

Institute of Human Genetics, University of Leipzig Medical Center
Classification: Uncertain significance for Ichthyosis vulgaris. Last evaluated: 2024-02-13. Review status: criteria provided, single submitter. Criteria: ACMG Guidelines, 2015. Collection method: clinical testing. Allele origin: paternal. Inheritance: Autosomal recessive inheritance. Affected: yes.
Comment: Criteria applied: PVS1

Baylor Genetics
Classification: Pathogenic for Ichthyosis vulgaris. Last evaluated: 2023-12-25. Review status: criteria provided, single submitter. Criteria: ACMG Guidelines, 2015. Collection method: clinical testing. Allele origin: unknown.

Blueprint Genetics
Classification: Likely pathogenic for FLG-related disorders. Last evaluated: 2023-04-17. Review status: criteria provided, single submitter. Criteria: ACMG Guidelines, 2015. Collection method: clinical testing. Allele origin: germline. Affected: yes. Observed: 2 variant alleles.

Genome-Nilou Lab
Classification: Likely pathogenic for Ichthyosis vulgaris. Last evaluated: 2023-04-11. Review status: criteria provided, single submitter. Criteria: ACMG Guidelines, 2015. Collection method: clinical testing. Allele origin: germline. Affected: no.

GeneDx
Classification: Pathogenic. Last evaluated: 2022-12-01. Review status: criteria provided, single submitter. Criteria: GeneDx Variant Classification Process June 2021. Collection method: clinical testing. Allele origin: germline. Affected: yes.
Comment: Frameshift variant predicted to result in protein truncation, as the last 1413 amino acids are replaced with 93 different amino acids, and other loss-of-function variants have been reported downstream in the Human Gene Mutation Database (HGMD); This variant is associated with the following publications: (PMID: 22407025, 22220561, 25997159, 19416262, 21039602, ClabbersJMK2017[casereport], 21326297, 21173567, 31799352, 18239616)

Mendelics
Classification: Pathogenic for Ichthyosis vulgaris. Last evaluated: 2022-05-04. Review status: criteria provided, single submitter. Criteria: Mendelics Assertion Criteria 2019. Collection method: clinical testing. Allele origin: germline.

Juno Genomics, Hangzhou Juno Genomics, Inc
Classification: Likely pathogenic for Dermatitis, atopic, 2; Ichthyosis vulgaris. Review status: criteria provided, single submitter. Criteria: ACMG Guidelines, 2015. Collection method: clinical testing. Allele origin: germline. Affected: yes.
Comment: Null variant in a gene where loss of function (LOF) is a known mechanism of disease.;The prevalence of the variant in affected individuals is significantly increased compared to the prevalence in controls.;Patient's phenotype or family history is highly specific for a disease with a single genetic etiology.;Co-segregation with disease in multiple affected family members in a gene definitively known to cause the disease.

NM_002016.2(FLG):c.7945del (p.Ser2649fs)

Genes: CCDST (cervical cancer associated DHX9 suppressive transcript; plus strand), FLG (filaggrin; minus strand). Cytogenetic location: 1q21.3.
Variant type: Deletion.
Coding change: c.7945del on transcript NM_002016.2 (MANE Select); coding-DNA position 7945, one base deleted (A; older notation c.7945delA).
Protein change: p.Ser2649fs; shifts the reading frame from serine 2649.
Molecular consequence: frameshift variant.
Genome position (GRCh38, 1-based): chr1:152,306,941, T deleted on the plus strand (A on the coding strand, the reverse complement: FLG is on the minus strand); the first of 2 consecutive T bases (chr1:152,306,941-152,306,942); deleting either gives the same sequence. VCF-style (leftmost placement, unchanged base first): chr1-152306940-CT-C. GRCh37 (hg19) VCF-style: chr1-152279416-CT-C.
Other names: c.7945delA (NM_002016.1); short protein forms S2649fs.
Identifiers: ClinVar variation 1027983 (VCV001027983.10), dbSNP rs538406713, ClinGen allele CA1104470.